The following is an entry in ClinVar:

NM_014714.4(IFT140):c.3566G>T (p.Arg1189Leu)

Gene: IFT140 (intraflagellar transport 140; minus strand). Cytogenetic location: 16p13.3.
Variant type: single nucleotide variant.
Coding change: c.3566G>T on transcript NM_014714.4 (MANE Select); coding-DNA position 3566, G replaced by T.
Protein change: p.Arg1189Leu; replaces arginine 1189 with leucine.
Molecular consequence: missense variant.
Genome position (GRCh38, 1-based): chr16:1,520,696, C>A on the plus strand (G>T on the coding strand, the complement: IFT140 is on the minus strand). VCF-style: chr16-1520696-C-A. GRCh37 (hg19) VCF-style: chr16-1570697-C-A.
Other names: short protein forms R1189L.
Identifiers: ClinVar variation 1388147 (VCV001388147.9), dbSNP rs149837281, ClinGen allele CA7813113.

ClinVar aggregate classification (germline): Uncertain significance. Review status: criteria provided, multiple submitters, no conflicts (2 of 4 stars). 2 submissions from 2 submitters: Uncertain significance (2). Last evaluated 2024-05-07.

Conditions:
Saldino-Mainzer syndrome (SRTD9). Also called: CONORENAL SYNDROME; Renal dysplasia, retinal pigmentary dystrophy, cerebellar ataxia and skeletal dysplasia; SHORT-RIB THORACIC DYSPLASIA 9 WITHOUT POLYDACTYLY; short-rib thoracic dysplasia 9 with or without polydactyly. Identifiers: Orphanet 140969, MedGen C1849437, MONDO:0009964, OMIM 266920.
Retinitis pigmentosa 80 (RP80). Identifiers: MedGen C4540439, MONDO:0054708, OMIM 617781.

Submissions (2):

Fulgent Genetics
Classification: Uncertain significance for Saldino-Mainzer syndrome; Retinitis pigmentosa 80. Last evaluated: 2024-05-07. Review status: criteria provided, single submitter. Criteria: ACMG Guidelines, 2015. Collection method: clinical testing. Allele origin: germline.

Labcorp Genetics (formerly Invitae), Labcorp
Classification: Uncertain significance for Saldino-Mainzer syndrome. Last evaluated: 2022-10-24. Review status: criteria provided, single submitter. Criteria: Invitae Variant Classification Sherloc (09022015). Collection method: clinical testing. Allele origin: germline.
Comment: This sequence change replaces arginine, which is basic and polar, with leucine, which is neutral and non-polar, at codon 1189 of the IFT140 protein (p.Arg1189Leu). In summary, the available evidence is currently insufficient to determine the role of this variant in disease. Therefore, it has been classified as a Variant of Uncertain Significance. Advanced modeling of protein sequence and biophysical properties (such as structural, functional, and spatial information, amino acid conservation, physicochemical variation, residue mobility, and thermodynamic stability) performed at Invitae indicates that this missense variant is not expected to disrupt IFT140 protein function. ClinVar contains an entry for this variant (Variation ID: 1388147). This variant has not been reported in the literature in individuals affected with IFT140-related conditions. This variant is not present in population databases (gnomAD no frequency).